The following is an entry in ClinVar:

NM_014874.4(MFN2):c.970+5T>G

Gene: MFN2 (mitofusin 2; plus strand). Cytogenetic location: 1p36.22.
Variant type: single nucleotide variant.
Coding change: c.970+5T>G on transcript NM_014874.4 (MANE Select); 5 bases into the intron after coding-DNA position 970, T replaced by G.
Molecular consequence: intron variant.
Genome position (GRCh38, 1-based): chr1:12,001,559, T>G. VCF-style: chr1-12001559-T-G. GRCh37 (hg19) VCF-style: chr1-12061616-T-G.
Other names: c.970+5T>G (NM_001127660.2).
Identifiers: ClinVar variation 2203244 (VCV002203244.5), dbSNP rs2523055189, ClinGen allele CA2574216543.

ClinVar aggregate classification (germline): Uncertain significance. Review status: criteria provided, single submitter (1 of 4 stars). 2 submissions from 2 submitters: Uncertain significance (1). 1 of the submissions does not count toward it. Last evaluated 2024-01-03.

Conditions:
Charcot-Marie-Tooth disease type 2. Also called: Charcot-Marie-Tooth type 2. Identifiers: Orphanet 64746, MedGen C0270914, MONDO:0018993.
Retinal dystrophy. Also called: Inherited retinal dystrophy. Identifiers: Orphanet 71862, MedGen C0854723, MeSH D058499, MONDO:0019118, HP:0000556.

Allele frequency attached by ClinVar (database versions not stated): gnomAD exomes below 0.00001.
gnomAD v4.1: 2 of 1,614,174 alleles (0.00012%); highest among the groups gnomAD compares: Non-Finnish European, 0.00017%; no homozygotes.

Submissions (2):

Labcorp Genetics (formerly Invitae), Labcorp
Classification: Uncertain significance for Charcot-Marie-Tooth disease type 2. Last evaluated: 2024-01-03. Review status: criteria provided, single submitter. Criteria: Invitae Variant Classification Sherloc (09022015). Collection method: clinical testing. Allele origin: germline.
Comment: This sequence change falls in intron 9 of the MFN2 gene. It does not directly change the encoded amino acid sequence of the MFN2 protein. It affects a nucleotide within the consensus splice site. This variant is not present in population databases (gnomAD no frequency). This variant has not been reported in the literature in individuals affected with MFN2-related conditions. ClinVar contains an entry for this variant (Variation ID: 2203244). Variants that disrupt the consensus splice site are a relatively common cause of aberrant splicing (PMID: 17576681, 9536098). Algorithms developed to predict the effect of sequence changes on RNA splicing suggest that this variant is not likely to affect RNA splicing. In summary, the available evidence is currently insufficient to determine the role of this variant in disease. Therefore, it has been classified as a Variant of Uncertain Significance.

Institute of Human Genetics, Univ. Regensburg, Univ. Regensburg
Classification: Uncertain significance for Retinal dystrophy. Last evaluated: 2022-01-01. Review status: no assertion criteria provided. Criteria: ACMG Guidelines, 2015. Collection method: clinical testing. Allele origin: germline. Affected: yes. Not counted in ClinVar's aggregate classification.

Literature cited by the submitters: PubMed 17576681 (cited by Labcorp Genetics (formerly Invitae), Labcorp); PubMed 9536098 (cited by Labcorp Genetics (formerly Invitae), Labcorp).